The following is an entry in ClinVar:

NM_013275.6(ANKRD11):c.5334_5344del (p.Pro1779fs)

Gene: ANKRD11 (ankyrin repeat domain containing 11; minus strand). Cytogenetic location: 16q24.3.
Variant type: Deletion.
Coding change: c.5334_5344del on transcript NM_013275.6 (MANE Select); coding-DNA positions 5334 to 5344, 11 bases deleted (TCCTGCCAGGC).
Protein change: p.Pro1779fs; shifts the reading frame from proline 1779.
Molecular consequence: frameshift variant.
Genome position (GRCh38, 1-based): chr16:89,281,198-89,281,208, GCCTGGCAGGA deleted on the plus strand (TCCTGCCAGGC on the coding strand, the reverse complement: ANKRD11 is on the minus strand); deleting any 11 consecutive bases within chr16:89,281,198-89,281,215 gives the same sequence; the c. name uses the placement nearest the transcript's 3' end. VCF-style (leftmost placement, unchanged base first): chr16-89281197-GGCCTGGCAGGA-G. GRCh37 (hg19) VCF-style: chr16-89347605-GGCCTGGCAGGA-G.
Other names: c.5334_5344del (NM_013275.5); c.5334_5344delTCCTGCCAGGC (NM_013275.5); c.5334_5344del, p.Pro1779fs (NM_001256182.2, NM_001256183.2); short protein forms P1779fs.
Identifiers: ClinVar variation 1190014 (VCV001190014.4), dbSNP rs2151744973, ClinGen allele CA2499223779.

ClinVar aggregate classification (germline): Pathogenic (1 of 4 stars; one submission).

Submission:

GeneDx
Classification: Pathogenic. Last evaluated: 2025-08-04. Review status: criteria provided, single submitter. Criteria: GeneDx Variant Classification Process June 2021. Collection method: clinical testing. Allele origin: germline. Affected: yes.
Comment: Frameshift variant predicted to result in protein truncation or nonsense mediated decay in a gene for which loss-of-function is a known mechanism of disease; Not observed at significant frequency in large population cohorts (gnomAD); Has not been previously published as pathogenic or benign to our knowledge